The following is an entry in ClinVar:

NM_001330260.2(SCN8A):c.2092A>G (p.Asn698Asp)

Gene: SCN8A (sodium voltage-gated channel alpha subunit 8; plus strand). Cytogenetic location: 12q13.13.
Variant type: single nucleotide variant.
Coding change: c.2092A>G on transcript NM_001330260.2 (MANE Select); coding-DNA position 2092, A replaced by G.
Protein change: p.Asn698Asp; replaces asparagine 698 with aspartic acid.
Molecular consequence: missense variant.
Genome position (GRCh38, 1-based): chr12:51,745,996, A>G. VCF-style: chr12-51745996-A-G. GRCh37 (hg19) VCF-style: chr12-52139780-A-G.
Other names: c.2092A>G, p.Asn698Asp (NM_001177984.3, NM_001369788.1, NM_014191.4); short protein forms N698D.
Identifiers: ClinVar variation 1317438 (VCV001317438.2), dbSNP rs2138828904, ClinGen allele CA384878865.

ClinVar aggregate classification (germline): Uncertain significance (1 of 4 stars; one submission).

Allele frequency attached by ClinVar (database versions not stated): gnomAD exomes below 0.00001.
gnomAD v4.1: 1 of 1,612,346 alleles (0.000062%); highest among the groups gnomAD compares: Non-Finnish European, 0.000085%; no homozygotes.

Submission:

GeneDx
Classification: Uncertain significance. Last evaluated: 2021-01-20. Review status: criteria provided, single submitter. Criteria: GeneDx Variant Classification Process June 2021. Collection method: clinical testing. Allele origin: germline. Affected: yes.
Comment: Not observed in large population cohorts (Lek et al., 2016); Missense variants in this gene are often considered pathogenic (Stenson et al., 2014); In silico analysis supports that this missense variant does not alter protein structure/function; Has not been previously published as pathogenic or benign to our knowledge; This substitution is predicted to be in the cytoplasmic loop between the first and second homologous domains